The following is an entry in ClinVar:

ClinVar aggregate classification (germline): Benign (1 of 4 stars; one submission).

Conditions:
Auriculocondylar syndrome 2 (ARCND2A). Also called: AURICULOCONDYLAR SYNDROME 2A. Identifiers: Orphanet 137888, MedGen C3553404, MONDO:0013845, OMIM 614669.

Allele frequency attached by ClinVar (database versions not stated): 1000 Genomes Project 0.00080; 1000 Genomes Project 30x 0.00094; gnomAD 0.00156 and 0.00158; TOPMed 0.00156.

Submission:

Illumina Laboratory Services, Illumina
Classification: Benign for Auriculocondylar syndrome 2. Last evaluated: 2018-01-13. Review status: criteria provided, single submitter. Criteria: ICSL Variant Classification Criteria 13 December 2019. Collection method: clinical testing. Allele origin: germline.
Comment: This variant was observed in the ICSL laboratory as part of a predisposition screen in an ostensibly healthy population. It had not been previously curated by ICSL or reported in the Human Gene Mutation Database (HGMD: prior to June 1st, 2018), and was therefore a candidate for classification through an automated scoring system. Utilizing variant allele frequency, disease prevalence and penetrance estimates, and inheritance mode, an automated score was calculated to assess if this variant is too frequent to cause the disease. Based on the score and internal cut-off values, a variant classified as benign is not then subjected to further curation. The score for this variant resulted in a classification of benign for this disease.

NM_001377142.1(PLCB4):c.*1136C>A

Gene: PLCB4 (phospholipase C beta 4; plus strand). Cytogenetic location: 20p12.2.
Variant type: single nucleotide variant.
Coding change: c.*1136C>A on transcript NM_001377142.1 (MANE Select); 1136 bases downstream of the stop codon, C replaced by A.
Molecular consequence: 3 prime UTR variant.
Genome position (GRCh38, 1-based): chr20:9,480,145, C>A. VCF-style: chr20-9480145-C-A. GRCh37 (hg19) VCF-style: chr20-9460792-C-A.
Other names: c.*1136C>A (NM_000933.4, NM_001377134.2, NM_001377135.1 and 1 more transcripts); c.*1156C>A (NM_001172646.2, NM_001377136.1, NM_182797.3).
Identifiers: ClinVar variation 897840 (VCV000897840.4), dbSNP rs181369739, ClinGen allele CA311282913.